The following is an entry in ClinVar:

NM_003079.5(SMARCE1):c.544T>G (p.Tyr182Asp)

Gene: SMARCE1 (SWI/SNF related BAF chromatin remodeling complex subunit E1; minus strand). Cytogenetic location: 17q21.2.
Variant type: single nucleotide variant.
Coding change: c.544T>G on transcript NM_003079.5 (MANE Select); coding-DNA position 544, T replaced by G.
Protein change: p.Tyr182Asp; replaces tyrosine 182 with aspartic acid.
Molecular consequence: missense variant.
Genome position (GRCh38, 1-based): chr17:40,632,365, A>C on the plus strand (T>G on the coding strand, the complement: SMARCE1 is on the minus strand). VCF-style: chr17-40632365-A-C. GRCh37 (hg19) VCF-style: chr17-38788617-A-C.
Other names: short protein forms Y182D.
Identifiers: ClinVar variation 825744 (VCV000825744.7), dbSNP rs1429023644, ClinGen allele CA399364957.

ClinVar aggregate classification (germline): Uncertain significance. Review status: criteria provided, multiple submitters, no conflicts (2 of 4 stars). 2 submissions from 2 submitters: Uncertain significance (2). Last evaluated 2024-01-09.

Conditions:
Familial meningioma. Also called: Meningioma, familial, susceptibility to. Identifiers: Orphanet 263662, MedGen C3551915, MONDO:0011789, OMIM 607174.
Hereditary cancer-predisposing syndrome. Also called: Neoplastic Syndromes, Hereditary; Tumor predisposition; Hereditary neoplastic syndrome; Hereditary Cancer Syndrome. Identifiers: Orphanet 140162, MedGen C0027672, MeSH D009386, MONDO:0015356.

Allele frequency attached by ClinVar (database versions not stated): TOPMed below 0.00001; gnomAD 0.00001.
gnomAD v4.1: 2 of 1,613,148 alleles (0.00012%); highest among the groups gnomAD compares: African/African-American, 0.0013%; no homozygotes.

Submissions (2):

Labcorp Genetics (formerly Invitae), Labcorp
Classification: Uncertain significance for Familial meningioma. Last evaluated: 2024-01-09. Review status: criteria provided, single submitter. Criteria: Invitae Variant Classification Sherloc (09022015). Collection method: clinical testing. Allele origin: germline.
Comment: This sequence change replaces tyrosine, which is neutral and polar, with aspartic acid, which is acidic and polar, at codon 182 of the SMARCE1 protein (p.Tyr182Asp). This variant is not present in population databases (gnomAD no frequency). This variant has not been reported in the literature in individuals affected with SMARCE1-related conditions. ClinVar contains an entry for this variant (Variation ID: 825744). An algorithm developed to predict the effect of missense changes on protein structure and function (PolyPhen-2) suggests that this variant is likely to be tolerated. Algorithms developed to predict the effect of sequence changes on RNA splicing suggest that this variant may create or strengthen a splice site. In summary, the available evidence is currently insufficient to determine the role of this variant in disease. Therefore, it has been classified as a Variant of Uncertain Significance.

Ambry Genetics
Classification: Uncertain significance for Hereditary cancer-predisposing syndrome. Last evaluated: 2019-05-08. Review status: criteria provided, single submitter. Criteria: Ambry Variant Classification Scheme 2023. Collection method: clinical testing. Allele origin: germline.
Comment: The p.Y182D variant (also known as c.544T>G), located in coding exon 7 of the SMARCE1 gene, results from a T to G substitution at nucleotide position 544. The tyrosine at codon 182 is replaced by aspartic acid, an amino acid with highly dissimilar properties. This amino acid position is highly conserved in available vertebrate species. In addition, the in silico prediction for this alteration is inconclusive. Since supporting evidence is limited at this time, the clinical significance of this alteration remains unclear.